The following is an entry in ClinVar:

ClinVar aggregate classification (germline): Uncertain significance (1 of 4 stars; one submission).

Conditions:
SEMA3C-related disorder. Also called: SEMA3C-related condition.

Allele frequency attached by ClinVar (database versions not stated): gnomAD 0.00003; TOPMed 0.00003; ExAC 0.00001.

Submission:

PreventionGenetics, part of Exact Sciences
Classification: Uncertain significance for SEMA3C-related condition. Last evaluated: 2026-09-18. Review status: criteria provided, single submitter. Criteria: ACMG Guidelines, 2015. Collection method: clinical testing. Allele origin: germline.
Comment: The SEMA3C c.1185+2dupT variant is predicted to result in an intronic duplication. This variant is predicted to alter splicing based on available splicing prediction programs (SpliceAI, Jaganathan et al. 2019. PubMed ID: 30661751. However, the use of computer prediction programs is not equivalent to functional evidence. To our knowledge, this variant has not been reported in the literature. This variant is reported in 0.012% of alleles in individuals of African descent in gnomAD. Splicing and protein truncating variants have not been documented in this gene. At this time, its clinical significance of this variant is uncertain due to the absence of conclusive functional and genetic information.

NM_006379.5(SEMA3C):c.1131+2dup

Gene: SEMA3C (semaphorin 3C; minus strand). Cytogenetic location: 7q21.11.
Variant type: Duplication.
Coding change: c.1131+2dup on transcript NM_006379.5 (MANE Select); the canonical splice donor site of the intron after coding-DNA position 1131, one base duplicated (T; older notation c.1131+2dupT).
Molecular consequence: splice donor variant.
Genome position (GRCh38, 1-based): chr7:80,798,090, A duplicated on the plus strand (T on the coding strand, the reverse complement: SEMA3C is on the minus strand). VCF-style (leftmost placement, unchanged base first): chr7-80798089-T-TA. GRCh37 (hg19) VCF-style: chr7-80427405-T-TA.
Other names: c.1185+2dup (NM_001350120.2); c.957+2dup (NM_001350121.2).
Identifiers: ClinVar variation 2628794 (VCV002628794.2), dbSNP rs765030811, ClinGen allele CA4316218.